The following is an entry in ClinVar:

ClinVar aggregate classification (germline): Benign. Review status: reviewed by expert panel (3 of 4 stars). 16 submissions from 16 submitters: Benign (1). 15 of the submissions do not count toward it. Last evaluated 2025-01-08.

Conditions:
DYSF-related disorder. Also called: DYSF-related condition; DYSF-related disorders.
Autosomal recessive limb-girdle muscular dystrophy. Identifiers: Orphanet 102015, MedGen C2931907, MONDO:0015152.
Neuromuscular disease caused by qualitative or quantitative defects of dysferlin. Also called: Qualitative or quantitative defects of dysferlin; Dysferlinopathy. Identifiers: Orphanet 207073, MedGen C2931687, MONDO:0016145.
Autosomal recessive limb-girdle muscular dystrophy type 2B (LGMDR2). Also called: MUSCULAR DYSTROPHY, LIMB-GIRDLE, TYPE 3; Limb-Girdle Muscular Dystrophy Type 2B (LGMD2B); MUSCULAR DYSTROPHY, LIMB-GIRDLE, AUTOSOMAL RECESSIVE 2; Limb-girdle muscular dystrophy, type 2B. Identifiers: Orphanet 268, MedGen C1850889, MONDO:0009676, OMIM 253601.
Miyoshi muscular dystrophy 1 (MMD1). Identifiers: Orphanet 45448, MedGen C4551973, MONDO:0024545, OMIM 254130.

Allele frequency attached by ClinVar (database versions not stated): ESP Exome Variant Server 0.00115; gnomAD 0.00124 and 0.00172; TOPMed 0.00131; 1000 Genomes Project 30x 0.00265; gnomAD exomes 0.00295; 1000 Genomes Project 0.00319; ExAC 0.00334.
gnomAD v4.1: 3,264 of 1,613,948 alleles (0.2%); highest among the groups gnomAD compares: South Asian, 1.4%; 27 homozygotes.

Submissions (16):

ClinGen Limb Girdle Muscular Dystrophy Variant Curation Expert Panel, ClinGen
Classification: Benign for Autosomal recessive limb-girdle muscular dystrophy. Last evaluated: 2025-01-08. Review status: reviewed by expert panel. Criteria: ClinGen LGMD VCEP ACMG Specifications DYSF V1.0.0. Collection method: curation. Allele origin: germline. Inheritance: Autosomal recessive inheritance.
Comment: The NM_003494.4: c.4820T>C variant in DYSF, which is also known as NM_001130987.2: c.4937T>C p.(Ile1646Thr), is a missense variant predicted to cause substitution of isoleucine by threonine at amino acid 1607 (p.Ile1607Thr). The filtering allele frequency of the variant is 0.01198 for South Asian exome chromosomes in gnomAD v2.1.1 (the lower threshold of the 95% CI of 742/251478), which is higher than the VCEP threshold of 0.003 (BA1). The SpliceAI score for this variant is 0.19 and the computational predictor REVEL gives a score of 0.36. Both of these scores are neither above nor below the thresholds predicting a damaging or benign impact (BP4/PP3 not met). In summary, this variant meets the criteria to be classified as Benign for autosomal recessive limb girdle muscular dystrophy based on the ACMG/AMP criteria applied, as specified by the ClinGen LGMD VCEP (LGMD VCEP specifications version 1.0.0; 01/08/2025): BA1.

CeGaT Center for Human Genetics Tuebingen
Classification: Benign. Last evaluated: 2026-08-01. Review status: criteria provided, single submitter. Criteria: CeGaT Center For Human Genetics Tuebingen Variant Classification Criteria Version 2. Collection method: clinical testing. Allele origin: germline. Affected: yes. Observed: 4 variant alleles. Not counted in ClinVar's aggregate classification.
Comment: DYSF: BP4, BS1, BS2

Labcorp Genetics (formerly Invitae), Labcorp
Classification: Benign for Neuromuscular disease caused by qualitative or quantitative defects of dysferlin. Last evaluated: 2026-02-01. Review status: criteria provided, single submitter. Criteria: Invitae Variant Classification Sherloc (09022015). Collection method: clinical testing. Allele origin: germline. Not counted in ClinVar's aggregate classification.

Blueprint Genetics
Classification: Likely benign. Last evaluated: 2024-11-23. Review status: criteria provided, single submitter. Criteria: ACMG Guidelines, 2015. Collection method: clinical testing. Allele origin: germline. Not counted in ClinVar's aggregate classification.

Athena Diagnostics
Classification: Benign. Last evaluated: 2023-11-01. Review status: criteria provided, single submitter. Criteria: Athena Diagnostics Criteria. Collection method: clinical testing. Allele origin: unknown. Not counted in ClinVar's aggregate classification.

Genome-Nilou Lab
Classification: Likely benign for Miyoshi muscular dystrophy 1. Last evaluated: 2021-05-18. Review status: criteria provided, single submitter. Criteria: ACMG Guidelines, 2015. Collection method: clinical testing. Allele origin: germline. Affected: no. Not counted in ClinVar's aggregate classification.

Genetics and Molecular Pathology, SA Pathology
Classification: Likely benign for Autosomal recessive limb-girdle muscular dystrophy. Last evaluated: 2019-07-19. Review status: criteria provided, single submitter. Criteria: ACMG Guidelines, 2015. Collection method: clinical testing. Allele origin: germline. Inheritance: Autosomal recessive inheritance. Affected: yes. Not counted in ClinVar's aggregate classification.

Illumina Laboratory Services, Illumina
Classification: Uncertain significance for Qualitative or quantitative defects of dysferlin. Last evaluated: 2017-04-27. Review status: criteria provided, single submitter. Criteria: ICSL Variant Classification Criteria 13 December 2019. Collection method: clinical testing. Allele origin: germline. Not counted in ClinVar's aggregate classification.

GeneDx
Classification: Benign. Last evaluated: 2017-02-17. Review status: criteria provided, single submitter. Criteria: GeneDx Variant Classification (06012015). Collection method: clinical testing. Allele origin: germline. Affected: yes. Not counted in ClinVar's aggregate classification.
Comment: This variant is considered likely benign or benign based on one or more of the following criteria: it is a conservative change, it occurs at a poorly conserved position in the protein, it is predicted to be benign by multiple in silico algorithms, and/or has population frequency not consistent with disease.

Eurofins Ntd Llc (ga)
Classification: Benign. Last evaluated: 2015-01-06. Review status: criteria provided, single submitter. Criteria: EGL Classification Definitions 2015. Collection method: clinical testing. Allele origin: germline. Observed: 6 variant alleles, 6 heterozygotes. Not counted in ClinVar's aggregate classification.

Natera, Inc.
Classification: Benign for Limb-girdle muscular dystrophy type 2B. Last evaluated: 2020-01-12. Review status: no assertion criteria provided. Collection method: clinical testing. Allele origin: germline. Not counted in ClinVar's aggregate classification.

PreventionGenetics, part of Exact Sciences
Classification: Likely benign for DYSF-related condition. Last evaluated: 2019-04-05. Review status: no assertion criteria provided. Collection method: clinical testing. Allele origin: germline. Not counted in ClinVar's aggregate classification.
Comment: This variant is classified as likely benign based on ACMG/AMP sequence variant interpretation guidelines (Richards et al. 2015 PMID: 25741868, with internal and published modifications).

Clinical Genetics DNA and cytogenetics Diagnostics Lab, Erasmus MC, Erasmus Medical Center
Classification: Benign. Review status: no assertion criteria provided. Collection method: clinical testing. Allele origin: germline. Affected: yes. Study: VKGL Data-share Consensus. Not counted in ClinVar's aggregate classification.

Genome Diagnostics Laboratory, University Medical Center Utrecht
Classification: Benign. Review status: no assertion criteria provided. Collection method: clinical testing. Allele origin: germline. Affected: yes. Study: VKGL Data-share Consensus. Not counted in ClinVar's aggregate classification.

Institute of Human Genetics, University of Wuerzburg
Classification: Uncertain significance for Autosomal recessive limb-girdle muscular dystrophy type 2B. Review status: no assertion criteria provided. Collection method: clinical testing. Allele origin: unknown. Affected: yes. Observed: 1 variant allele. Not counted in ClinVar's aggregate classification.

Laboratory of Diagnostic Genome Analysis, Leiden University Medical Center (LUMC)
Classification: Likely benign. Review status: no assertion criteria provided. Collection method: clinical testing. Allele origin: germline. Affected: yes. Study: VKGL Data-share Consensus. Not counted in ClinVar's aggregate classification.

Literature cited by the submitters: PubMed 27884173 (cited by Athena Diagnostics); PubMed 25525159 (cited by Athena Diagnostics).

NM_001130987.2(DYSF):c.4937T>C (p.Ile1646Thr)

Gene: DYSF (dysferlin; plus strand). Cytogenetic location: 2p13.2.
Variant type: single nucleotide variant.
Coding change: c.4937T>C on transcript NM_001130987.2 (MANE Select); coding-DNA position 4937, T replaced by C.
Protein change: p.Ile1646Thr; replaces isoleucine 1646 with threonine.
Molecular consequence: missense variant.
Genome position (GRCh38, 1-based): chr2:71,660,585, T>C. VCF-style: chr2-71660585-T-C. GRCh37 (hg19) VCF-style: chr2-71887715-T-C.
Other names: NM_001130987.2(DYSF):c.4937T>C; p.Ile1646Thr; c.4823T>C, p.Ile1608Thr (NM_001130455.2); c.4778T>C, p.Ile1593Thr (NM_001130976.2); c.4841T>C, p.Ile1614Thr (NM_001130977.2); c.4883T>C, p.Ile1628Thr (NM_001130978.2); c.4913T>C, p.Ile1638Thr (NM_001130979.2); c.4871T>C, p.Ile1624Thr (NM_001130980.2); and 8 more; short protein forms I1607T, I1646T, I1628T, I1594T, I1624T, I1625T, I1629T, I1615T.
Identifiers: ClinVar variation 197504 (VCV000197504.58), dbSNP rs146384562, ClinGen allele CA275275.